The following is an entry in ClinVar:

NM_001083962.2(TCF4):c.1754A>T (p.Asn585Ile)

Gene: TCF4 (transcription factor 4; minus strand). Cytogenetic location: 18q21.2.
Variant type: single nucleotide variant.
Coding change: c.1754A>T on transcript NM_001083962.2 (MANE Select); coding-DNA position 1754, A replaced by T.
Protein change: p.Asn585Ile; replaces asparagine 585 with isoleucine.
Molecular consequence: missense variant.
Genome position (GRCh38, 1-based): chr18:55,228,972, T>A on the plus strand (A>T on the coding strand, the complement: TCF4 is on the minus strand). VCF-style: chr18-55228972-T-A. GRCh37 (hg19) VCF-style: chr18-52896203-T-A.
Other names: c.1754A>T, p.Asn585Ile (NM_001369567.1, NM_001369568.1); c.1751A>T, p.Asn584Ile (NM_001369569.1, NM_001369570.1, NM_001330604.3); c.1742A>T, p.Asn581Ile (NM_001369571.1, NM_001369572.1, NM_003199.3); c.1739A>T, p.Asn580Ile (NM_001369573.1, NM_001369574.1); c.1682A>T, p.Asn561Ile (NM_001369575.1, NM_001243227.2, NM_001348217.1 and 1 more transcripts); c.2060A>T, p.Asn687Ile (NM_001243226.3); c.1772A>T, p.Asn591Ile (NM_001243228.2); c.1733A>T, p.Asn578Ile (NM_001243230.2); and 14 more; short protein forms N420I, N421I, N539I, N584I, N369I, N455I, N557I, N510I.
Identifiers: ClinVar variation 3655488 (VCV003655488.2).

ClinVar aggregate classification (germline): Pathogenic (1 of 4 stars; one submission).

Conditions:
Pitt-Hopkins syndrome (PTHS). Also called: ENCEPHALOPATHY, SEVERE EPILEPTIC, WITH AUTONOMIC DYSFUNCTION; MENTAL RETARDATION, SYNDROMAL, WITH INTERMITTENT HYPERVENTILATION. Identifiers: Orphanet 2896, MedGen C1970431, MONDO:0012589, OMIM 610954.

Submission:

Labcorp Genetics (formerly Invitae), Labcorp
Classification: Pathogenic for Pitt-Hopkins syndrome. Last evaluated: 2025-01-14. Review status: criteria provided, single submitter. Criteria: Invitae Variant Classification Sherloc (09022015). Collection method: clinical testing. Allele origin: germline.
Comment: This sequence change replaces asparagine, which is neutral and polar, with isoleucine, which is neutral and non-polar, at codon 585 of the TCF4 protein (p.Asn585Ile). This variant is not present in population databases (gnomAD no frequency). This missense change has been observed in individual(s) with clinical features of Pitt-Hopkins syndrome (internal data). In at least one individual the variant was observed to be de novo. Invitae Evidence Modeling of protein sequence and biophysical properties (such as structural, functional, and spatial information, amino acid conservation, physicochemical variation, residue mobility, and thermodynamic stability) indicates that this missense variant is expected to disrupt TCF4 protein function with a positive predictive value of 95%. For these reasons, this variant has been classified as Pathogenic.